The following is an entry in ClinVar:

ClinVar aggregate classification (germline): Likely pathogenic (1 of 4 stars; one submission).

Conditions:
Intellectual developmental disorder, autosomal recessive 3. Also called: Intellectual disability, autosomal recessive 3. Identifiers: Orphanet 88616, MedGen C1838023, MONDO:0012037, OMIM 608443.

Submission:

Juno Genomics, Hangzhou Juno Genomics, Inc
Classification: Likely pathogenic for Intellectual developmental disorder, autosomal recessive 3. Review status: criteria provided, single submitter. Criteria: ACMG Guidelines, 2015. Collection method: clinical testing. Allele origin: germline.
Comment: Null variant in a gene where loss of function (LOF) is a known mechanism of disease.;Absent from controls (or at extremely low frequency if recessive) in Genome Aggregation Database.

NM_017721.5(CC2D1A):c.2499del (p.Ala834fs)

Gene: CC2D1A (coiled-coil and C2 domain containing 1A; plus strand). Cytogenetic location: 19p13.12.
Variant type: Deletion.
Coding change: c.2499del on transcript NM_017721.5 (MANE Select); coding-DNA position 2499, one base deleted (T; older notation c.2499delT).
Protein change: p.Ala834fs; shifts the reading frame from alanine 834.
Molecular consequence: frameshift variant.
Genome position (GRCh38, 1-based): chr19:13,928,168, T deleted. VCF-style (leftmost placement, unchanged base first): chr19-13928167-CT-C. GRCh37 (hg19) VCF-style: chr19-14038980-CT-C.
Other names: c.2496del, p.Ala833fs (NM_001411138.1); short protein forms A833fs, A834fs.
Identifiers: ClinVar variation 5005940 (VCV005005940.2).